The following is an entry in ClinVar:

ClinVar aggregate classification (germline): Uncertain significance (1 of 4 stars; one submission).

Conditions:
Walker-Warburg congenital muscular dystrophy. Also called: Muscular dystrophy-dystroglycanopathy, type A; Walker-Warburg syndrome. Identifiers: Orphanet 899, MedGen C0265221, MONDO:0000171.
Autosomal recessive limb-girdle muscular dystrophy type 2K. Also called: MUSCULAR DYSTROPHY, LIMB-GIRDLE, TYPE 2K; MUSCULAR DYSTROPHY-DYSTROGLYCANOPATHY (LIMB-GIRDLE), TYPE C, 1. Identifiers: Orphanet 86812, MedGen C1836373, MONDO:0012248, OMIM 609308.
Muscular dystrophy-dystroglycanopathy (congenital with impaired intellectual development), type B, 1. Also called: MUSCULAR DYSTROPHY, CONGENITAL, POMT1-RELATED; Muscular dystrophy-dystroglycanopathy (congenital with intellectual disability), type B1. Identifiers: MedGen C5436962, MONDO:0013159, OMIM 613155.

Allele frequency attached by ClinVar (database versions not stated): gnomAD exomes below 0.00001; TOPMed below 0.00001; gnomAD 0.00001.
gnomAD v4.1: 4 of 1,614,104 alleles (0.00025%); highest among the groups gnomAD compares: African/African-American, 0.0013%; no homozygotes.

Submission:

Labcorp Genetics (formerly Invitae), Labcorp
Classification: Uncertain significance for Muscular dystrophy-dystroglycanopathy (congenital with impaired intellectual development), type B, 1; Walker-Warburg congenital muscular dystrophy; Autosomal recessive limb-girdle muscular dystrophy type 2K. Last evaluated: 2022-02-04. Review status: criteria provided, single submitter. Criteria: Invitae Variant Classification Sherloc (09022015). Collection method: clinical testing. Allele origin: germline.
Comment: Algorithms developed to predict the effect of missense changes on protein structure and function (SIFT, PolyPhen-2, Align-GVGD) all suggest that this variant is likely to be disruptive. This variant has not been reported in the literature in individuals affected with POMT1-related conditions. This variant is not present in population databases (gnomAD no frequency). This sequence change replaces tyrosine, which is neutral and polar, with cysteine, which is neutral and slightly polar, at codon 205 of the POMT1 protein (p.Tyr205Cys). In summary, the available evidence is currently insufficient to determine the role of this variant in disease. Therefore, it has been classified as a Variant of Uncertain Significance.

NM_001077365.2(POMT1):c.614A>G (p.Tyr205Cys)

Gene: POMT1 (protein O-mannosyltransferase 1; plus strand). Cytogenetic location: 9q34.13.
Variant type: single nucleotide variant.
Coding change: c.614A>G on transcript NM_001077365.2 (MANE Select); coding-DNA position 614, A replaced by G.
Protein change: p.Tyr205Cys; replaces tyrosine 205 with cysteine.
Molecular consequence: missense variant. On other transcripts: non-coding transcript variant (10).
Genome position (GRCh38, 1-based): chr9:131,509,911, A>G. VCF-style: chr9-131509911-A-G. GRCh37 (hg19) VCF-style: chr9-134385298-A-G.
Other names: c.452A>G, p.Tyr151Cys (NM_001077366.2, NM_001374693.1, NM_001353194.2 and 3 more transcripts); c.614A>G, p.Tyr205Cys (NM_001136113.2, NM_001353193.2, NM_007171.4 and 1 more transcripts); c.263A>G, p.Tyr88Cys (NM_001136114.2, NM_001374692.1, NM_001353195.2 and 2 more transcripts); c.158A>G, p.Tyr53Cys (NM_001374695.1, NM_001353200.2); c.524A>G, p.Tyr175Cys (NM_001353196.2); short protein forms Y205C, Y53C, Y151C, Y175C, Y88C.
Identifiers: ClinVar variation 1406980 (VCV001406980.11), dbSNP rs1312643563, ClinGen allele CA375307289.